The following is an entry in ClinVar:

ClinVar aggregate classification (germline): Uncertain significance (1 of 4 stars; one submission).

Allele frequency attached by ClinVar (database versions not stated): gnomAD exomes 0.00001.
gnomAD v4.1: 11 of 1,609,198 alleles (0.00068%); highest among the groups gnomAD compares: Non-Finnish European, 0.00085%; no homozygotes.

Submission:

GeneDx
Classification: Uncertain significance. Last evaluated: 2017-08-24. Review status: criteria provided, single submitter. Criteria: GeneDx Variant Classification (06012015). Collection method: clinical testing. Allele origin: germline. Affected: yes.
Comment: The D6363Y variant has not been published as a pathogenic variant, nor has it been reported as a benign variant to our knowledge. The D6363Y variant is not observed in large population cohorts (Lek et al., 2016; 1000 Genomes Consortium et al., 2015; Exome Variant Server). This variant is a non-conservative amino acid substitution, which is likely to impact secondary protein structure as these residues differ in polarity, charge, size and/or other properties. This substitution occurs at a position that is conserved across species, and in silico analysis predicts this variant is probably damaging to the protein structure/function. However, missense variants in nearby residues have not been reported in the Human Gene Mutation Database in association with SYNE1-related disorder (Stenson et al., 2014).

NM_182961.4(SYNE1):c.19300G>T (p.Asp6434Tyr)

Gene: SYNE1 (spectrin repeat containing nuclear envelope protein 1; minus strand). Cytogenetic location: 6q25.2.
Variant type: single nucleotide variant.
Coding change: c.19300G>T on transcript NM_182961.4 (MANE Select); coding-DNA position 19300, G replaced by T.
Protein change: p.Asp6434Tyr; replaces aspartic acid 6434 with tyrosine.
Molecular consequence: missense variant.
Genome position (GRCh38, 1-based): chr6:152,255,050, C>A on the plus strand (G>T on the coding strand, the complement: SYNE1 is on the minus strand). VCF-style: chr6-152255050-C-A. GRCh37 (hg19) VCF-style: chr6-152576185-C-A.
Other names: c.19087G>T, p.Asp6363Tyr (NM_033071.5); short protein forms D6363Y, D6434Y.
Identifiers: ClinVar variation 451663 (VCV000451663.2), dbSNP rs1348758893, ClinGen allele CA366136606.